The following is an entry in ClinVar:

GRCh37/hg19 9p23(chr9:13122130-13649715)x3

Gene: MPDZ (multiple PDZ domain crumbs cell polarity complex component; minus strand). Cytogenetic location: 9p23.
Variant type: copy number gain.
Change: copy number 3 (three copies instead of two) of chr9:13,122,130-13,649,715 (527.6 kb, GRCh37 coordinates, 1-based), cytogenetic band 9p23.
Identifiers: ClinVar variation 1807690 (VCV001807690.1).

ClinVar aggregate classification (germline): Pathogenic (1 of 4 stars; one submission).

Submission:

Quest Diagnostics Nichols Institute San Juan Capistrano
Classification: Pathogenic. Last evaluated: 2021-06-07. Review status: criteria provided, single submitter. Criteria: ACMG/ClinGen CNV Guidelines, 2019. Collection method: clinical testing. Allele origin: unknown.
Comment: The large terminal 9p24.3p23 copy number loss involves multiple protein-coding genes including SMARCA2 (OMIM 600014), RFX3 (OMIM 601337), DMRT1 (OMIM 602424), and DMRT2 (OMIM 604935). It is expected to cause phenotypic and/or developmental abnormalities and is consistent with the contiguous gene 9p deletion syndrome (OMIM 158170). The 9p deletion syndrome has a wide spectrum of phenotypic manifestations due variability in deletion size. The main clinical findings are variable degrees of intellectual disability, congenital hypotonia and a range of cranio-facial abnormalities. Less frequently, other anomalies such as cardiac defects, epilepsy, inguinal hernia, omphalocele, choanal atresia, and scoliosis have been reported. (Banerjee et al., Wellcome Open Res. 2020 Aug 4;4:149. PMID: 32832699; Swinkels et al., Am J Med Genet A. 2008 Jun 1;146A(11):1430-8., PMID: 18452192; Onesimo et al. Am J Med Genet A. 2012 Sep;158A(9):2266-71. PMID: 22821627; Bartels et al., Eur J Med Genet. 2013 Aug;56(8):458-62., PMID: 23811035; Mitsui et al. Congenit Anom (Kyoto). 2013 Mar;53(1):49-53. PMID: 23480358; Hou et al. Taiwan J Obstet Gynecol. 2016 Dec;55(6):867-870. PMID: 28040136). SMARCA2 and RFX3 have been suggested as candidates for the hypoglycaemia phenotype, and DMRT1/DMRT2 have been implicated in the gonadal dysgenesis phenotype. JAK2 (OMIM 147796) within this large deletion has also been reported in an autosomal dominant thrombocythemia 3 phenotype (OMIM 614521).